The following is an entry in ClinVar:

ClinVar aggregate classification (germline): Uncertain significance (1 of 4 stars; one submission).

Submission:

Labcorp Genetics (formerly Invitae), Labcorp
Classification: Uncertain significance. Last evaluated: 2023-02-24. Review status: criteria provided, single submitter. Criteria: Invitae Variant Classification Sherloc (09022015). Collection method: clinical testing. Allele origin: germline.
Comment: This variant has not been reported in the literature in individuals affected with SEMA4A-related conditions. In summary, the available evidence is currently insufficient to determine the role of this variant in disease. Therefore, it has been classified as a Variant of Uncertain Significance. This variant is not present in population databases (gnomAD no frequency). This sequence change creates a premature translational stop signal (p.Thr29Asnfs*21) in the SEMA4A gene. It is expected to result in an absent or disrupted protein product. However, the current clinical and genetic evidence is not sufficient to establish whether loss-of-function variants in SEMA4A cause disease.

NM_022367.4(SEMA4A):c.85dup (p.Thr29fs)

Gene: SEMA4A (semaphorin 4A; plus strand). Cytogenetic location: 1q22.
Variant type: Duplication.
Coding change: c.85dup on transcript NM_022367.4 (MANE Select); coding-DNA position 85, one base duplicated (A; older notation c.85dupA).
Protein change: p.Thr29fs; shifts the reading frame from threonine 29.
Molecular consequence: frameshift variant. On other transcripts: 5 prime UTR variant (1), intron variant (3).
Genome position (GRCh38, 1-based): chr1:156,154,663, A duplicated. VCF-style (leftmost placement, unchanged base first): chr1-156154662-G-GA. GRCh37 (hg19) VCF-style: chr1-156124453-G-GA.
Other names: c.85dup, p.Thr29fs (NM_001193300.2, NM_001193301.2, NM_001370567.1); c.-440dup (NM_001370571.1); c.-385-1751dup (NM_001370569.1); c.-158-1751dup (NM_001370568.1); c.-159+899dup (NM_001193302.2); short protein forms T29fs.
Identifiers: ClinVar variation 3005775 (VCV003005775.3), dbSNP rs2528102708, ClinGen allele CA2740090392.
Genomic context (GRCh38, chr1:156,154,662, plus strand): 5'-GGACCCCTGGAGCCTCCTGGGCCTTTTCCTCTTCCAACTGCTTCAGCTGCTGCTGCCGAC[G>GA]ACGACCGCGGGGGGAGGCGGGCAGGGGCCCATGCCCAGGGTCAGATACTATGCAGGTAAG-3'